The following is an entry in ClinVar:

NM_198253.3(TERT):c.199G>C (p.Ala67Pro)

Genes: TERT (telomerase reverse transcriptase; minus strand), LOC110806263 (TERT 5' regulatory region; plus strand). Cytogenetic location: 5p15.33.
Variant type: single nucleotide variant.
Coding change: c.199G>C on transcript NM_198253.3 (MANE Select); coding-DNA position 199, G replaced by C.
Protein change: p.Ala67Pro; replaces alanine 67 with proline.
Molecular consequence: missense variant. On other transcripts: non-coding transcript variant (2).
Genome position (GRCh38, 1-based): chr5:1,294,791, C>G on the plus strand (G>C on the coding strand, the complement: TERT is on the minus strand). VCF-style: chr5-1294791-C-G. GRCh37 (hg19) VCF-style: chr5-1294906-C-G.
Other names: c.199G>C, p.Ala67Pro (NM_001193376.3); short protein forms A67P.
Identifiers: ClinVar variation 1434816 (VCV001434816.8), dbSNP rs2126691405, ClinGen allele CA359058834.

ClinVar aggregate classification (germline): Uncertain significance (1 of 4 stars; one submission).

Conditions:
Idiopathic Pulmonary Fibrosis. Also called: Idiopathic fibrosing alveolitis, chronic form; idiopathic fibrosing alveolitis. Identifiers: Orphanet 2032, MedGen C1800706, MeSH D054990, MONDO:0800504.
Dyskeratosis congenita, autosomal dominant 2. Identifiers: MedGen C3151443, MONDO:0013521, OMIM 613989.

Submission:

Labcorp Genetics (formerly Invitae), Labcorp
Classification: Uncertain significance for Dyskeratosis congenita, autosomal dominant 2; Idiopathic Pulmonary Fibrosis. Last evaluated: 2021-04-08. Review status: criteria provided, single submitter. Criteria: Invitae Variant Classification Sherloc (09022015). Collection method: clinical testing. Allele origin: germline.
Comment: In summary, the available evidence is currently insufficient to determine the role of this variant in disease. Therefore, it has been classified as a Variant of Uncertain Significance. Advanced modeling of protein sequence and biophysical properties (such as structural, functional, and spatial information, amino acid conservation, physicochemical variation, residue mobility, and thermodynamic stability) performed at Invitae indicates that this missense variant is not expected to disrupt TERT protein function. This variant has not been reported in the literature in individuals with TERT-related conditions. The frequency data for this variant in the population databases is considered unreliable, as metrics indicate insufficient coverage at this position in the ExAC database. This sequence change replaces alanine with proline at codon 67 of the TERT protein (p.Ala67Pro). The alanine residue is weakly conserved and there is a small physicochemical difference between alanine and proline.